The following is an entry in ClinVar:

NM_014629.4(ARHGEF10):c.3379G>T (p.Val1127Phe)

Gene: ARHGEF10 (Rho guanine nucleotide exchange factor 10; plus strand). Cytogenetic location: 8p23.3.
Variant type: single nucleotide variant.
Coding change: c.3379G>T on transcript NM_014629.4 (MANE Select); coding-DNA position 3379, G replaced by T.
Protein change: p.Val1127Phe; replaces valine 1127 with phenylalanine.
Molecular consequence: missense variant.
Genome position (GRCh38, 1-based): chr8:1,945,637, G>T. VCF-style: chr8-1945637-G-T. GRCh37 (hg19) VCF-style: chr8-1893803-G-T.
Other names: c.3265G>T, p.Val1089Phe (NM_001308152.2, NM_001438094.1); c.3379G>T, p.Val1127Phe (NM_001308153.3); c.3382G>T, p.Val1128Phe (NM_001438091.1); c.3262G>T, p.Val1088Phe (NM_001438092.1, NM_001438093.1); short protein forms V1088F, V1127F, V1128F, V1151F, V1089F.
Identifiers: ClinVar variation 4754327 (VCV004754327.1).

ClinVar aggregate classification (germline): Uncertain significance (1 of 4 stars; one submission).

gnomAD v4.1: 16 of 1,614,196 alleles (0.00099%); highest among the groups gnomAD compares: Non-Finnish European, 0.0013%; no homozygotes.

Submission:

Labcorp Genetics (formerly Invitae), Labcorp
Classification: Uncertain significance. Last evaluated: 2025-12-02. Review status: criteria provided, single submitter. Criteria: Invitae Variant Classification Sherloc (09022015). Collection method: clinical testing. Allele origin: germline.
Comment: This sequence change replaces valine, which is neutral and non-polar, with phenylalanine, which is neutral and non-polar, at codon 1127 of the ARHGEF10 protein (p.Val1127Phe). This variant is not present in population databases (gnomAD no frequency). This variant has not been reported in the literature in individuals affected with ARHGEF10-related conditions. Invitae Evidence Modeling of protein sequence and biophysical properties (such as structural, functional, and spatial information, amino acid conservation, physicochemical variation, residue mobility, and thermodynamic stability) indicates that this missense variant is not expected to disrupt ARHGEF10 protein function with a negative predictive value of 80%. In summary, the available evidence is currently insufficient to determine the role of this variant in disease. Therefore, it has been classified as a Variant of Uncertain Significance.